The following is an entry in ClinVar:

ClinVar aggregate classification (germline): Likely pathogenic (1 of 4 stars; one submission).

Conditions:
Inborn genetic diseases. Identifiers: MedGen C0950123, MeSH D030342.

Submission:

Ambry Genetics
Classification: Likely pathogenic for Inborn genetic diseases. Last evaluated: 2021-08-24. Review status: criteria provided, single submitter. Criteria: Ambry Variant Classification Scheme 2023. Collection method: clinical testing. Allele origin: germline.
Comment: The c.760G>A (p.E254K) alteration is located in exon 9 (coding exon 9) of the FAM50A gene. This alteration results from a G to A substitution at nucleotide position 760, causing the glutamic acid (E) at amino acid position 254 to be replaced by a lysine (K). This variant was not reported in population-based cohorts in the Genome Aggregation Database (gnomAD). This amino acid position is highly conserved in available vertebrate species. This alteration is predicted to be deleterious by in silico analysis. This missense alteration is located in a region that has a low rate of benign missense variation (Lek, 2016; Firth, 2009). Based on the available evidence, this alteration is classified as likely pathogenic.

NM_004699.4(FAM50A):c.760G>A (p.Glu254Lys)

Gene: FAM50A (family with sequence similarity 50 member A; plus strand). Cytogenetic location: Xq28.
Variant type: single nucleotide variant.
Coding change: c.760G>A on transcript NM_004699.4 (MANE Select); coding-DNA position 760, G replaced by A.
Protein change: p.Glu254Lys; replaces glutamic acid 254 with lysine.
Molecular consequence: missense variant.
Genome position (GRCh38, 1-based): chrX:154,449,715, G>A. VCF-style: chrX-154449715-G-A. GRCh37 (hg19) VCF-style: chrX-153678063-G-A.
Other names: short protein forms E254K.
Identifiers: ClinVar variation 2404128 (VCV002404128.2), dbSNP rs2523043957, ClinGen allele CA415219360.